The following is an entry in ClinVar:

ClinVar aggregate classification (germline): Likely benign (1 of 4 stars; one submission).

gnomAD v4.1: 27 of 1,613,522 alleles (0.0017%); highest among the groups gnomAD compares: Non-Finnish European, 0.0021%; no homozygotes.

Submission:

CeGaT Center for Human Genetics Tuebingen
Classification: Likely benign. Last evaluated: 2026-09-01. Review status: criteria provided, single submitter. Criteria: CeGaT Center For Human Genetics Tuebingen Variant Classification Criteria Version 2. Collection method: clinical testing. Allele origin: germline. Affected: yes. Observed: 1 variant allele.
Comment: WLS: BP4, BP7

NM_001002292.4(WLS):c.1533G>A (p.Ser511=)

Genes: GNG12-AS1 (GNG12, DIRAS3 and WLS antisense RNA 1; plus strand), WLS (Wnt ligand secretion mediator; minus strand). Cytogenetic location: 1p31.3.
Variant type: single nucleotide variant.
Coding change: c.1533G>A on transcript NM_001002292.4; coding-DNA position 1533, G replaced by A.
Protein change: p.Ser511=; no amino-acid change (serine 511 retained).
Molecular consequence: synonymous variant. On other transcripts: non-coding transcript variant (1).
Genome position (GRCh38, 1-based): chr1:68,098,731, C>T on the plus strand (G>A on the coding strand, the complement: WLS is on the minus strand). VCF-style: chr1-68098731-C-T. GRCh37 (hg19) VCF-style: chr1-68564414-C-T.
Identifiers: ClinVar variation 5041479 (VCV005041479.1).